The following is an entry in ClinVar:

NM_000531.6(OTC):c.709_712delinsCCT (p.Ala237fs)

Gene: OTC (ornithine transcarbamylase; plus strand). Cytogenetic location: Xp11.4.
Variant type: Indel.
Coding change: c.709_712delinsCCT on transcript NM_000531.6 (MANE Select); coding-DNA positions 709 to 712, GCCA replaced by CCT.
Protein change: p.Ala237fs; shifts the reading frame from alanine 237.
Molecular consequence: frameshift variant.
Genome position (GRCh38, 1-based): chrX:38,408,787-38,408,790, GCCA replaced by CCT. VCF-style: chrX-38408787-GCCA-CCT. GRCh37 (hg19) VCF-style: chrX-38268040-GCCA-CCT.
Other names: short protein forms A237fs.
Identifiers: ClinVar variation 817960 (VCV000817960.1), dbSNP rs1602033095, ClinGen allele CA915951009.
Genomic context (GRCh38, chrX:38,408,787, plus strand): 5'-TTCTTCCTCCTTTAGGGTTATGAGCCGGATGCTAGTGTAACCAAGTTGGCAGAGCAGTAT[GCCA>CCT]AAGAGGTATGCTCTTTACATGTAAAGCTATTATTGCCTTTTACTGTCCCATGAAGTTATT-3'

ClinVar aggregate classification (germline): Likely pathogenic (1 of 4 stars; one submission).

Submission:

GeneDx
Classification: Likely pathogenic. Last evaluated: 2018-12-18. Review status: criteria provided, single submitter. Criteria: GeneDx Variant Classification (06012015). Collection method: clinical testing. Allele origin: germline. Affected: yes.
Comment: The c.709_712delGCCAinsCCT variant has not been published as a pathogenic variant, nor has it been reported as a benign variant to our knowledge. The c.709_712delGCCAinsCCT variant is not observed in large population cohorts (Lek et al., 2016). The c.709_712delGCCAinsCCT variant causes a frameshift starting with codon Alanine 237, changes this amino acid to a Proline residue and creates a premature Stop codon at position 10 of the new reading frame, denoted p.Ala237ProfsX10. This variant is predicted to cause loss of normal protein function either through protein truncation or nonsense-mediated mRNA decay. In summary, we interpret this variant as likely pathogenic.